The following is an entry in ClinVar:

NM_000037.4(ANK1):c.4030C>T (p.Arg1344Cys)

Gene: ANK1 (ankyrin 1; minus strand). Cytogenetic location: 8p11.21.
Variant type: single nucleotide variant.
Coding change: c.4030C>T on transcript NM_000037.4 (MANE Select); coding-DNA position 4030, C replaced by T.
Protein change: p.Arg1344Cys; replaces arginine 1344 with cysteine.
Molecular consequence: missense variant.
Genome position (GRCh38, 1-based): chr8:41,690,301, G>A on the plus strand (C>T on the coding strand, the complement: ANK1 is on the minus strand). VCF-style: chr8-41690301-G-A. GRCh37 (hg19) VCF-style: chr8-41547819-G-A.
Other names: c.4153C>T, p.Arg1385Cys (NM_001142446.2); c.4030C>T, p.Arg1344Cys (NM_020475.3, NM_020476.3, NM_020477.3); c.4030C>T (NM_020476.2); short protein forms R1344C, R1385C.
Identifiers: ClinVar variation 2439060 (VCV002439060.4), dbSNP rs139384745, ClinGen allele CA4727695.

ClinVar aggregate classification (germline): Uncertain significance. Review status: criteria provided, single submitter (1 of 4 stars). 2 submissions from 2 submitters: Uncertain significance (1). 1 of the submissions does not count toward it. Last evaluated 2022-08-04.

Conditions:
Hereditary spherocytosis type 1. Also called: Spherocytosis type 1; ANK1-Related Spherocytosis. Identifiers: Orphanet 822, MedGen C2674218, MONDO:0008447, OMIM 182900.
ANK1-related disorder. Also called: ANK1-related condition.

Allele frequency attached by ClinVar (database versions not stated): ExAC 0.00002; gnomAD 0.00002; gnomAD exomes 0.00002; TOPMed 0.00005; ESP Exome Variant Server 0.00008.
gnomAD v4.1: 41 of 1,614,106 alleles (0.0025%); highest among the groups gnomAD compares: Admixed American, 0.0067%; no homozygotes.

Submissions (2):

Revvity Omics, Revvity
Classification: Uncertain significance for Hereditary spherocytosis type 1. Last evaluated: 2022-08-04. Review status: criteria provided, single submitter. Criteria: ACMG Guidelines, 2015. Collection method: clinical testing. Allele origin: germline.

PreventionGenetics, part of Exact Sciences
Classification: Uncertain significance for ANK1-related condition. Last evaluated: 2024-03-04. Review status: no assertion criteria provided. Collection method: clinical testing. Allele origin: germline. Not counted in ClinVar's aggregate classification.
Comment: The ANK1 c.4030C>T variant is predicted to result in the amino acid substitution p.Arg1344Cys. This variant was reported in an individual with spherocytosis (described as c.4153C>T, Xie et al. 2021. PubMed ID: 33620149). This variant is reported in 0.0065% of alleles in individuals of South Asian descent in gnomAD. At this time, the clinical significance of this variant is uncertain due to the absence of conclusive functional and genetic evidence.